The following is an entry in ClinVar:

ClinVar aggregate classification (germline): Benign (0 of 4 stars; one submission).

Conditions:
BTN2A2-related disorder. Also called: BTN2A2-related condition.

Allele frequency attached by ClinVar (database versions not stated): gnomAD exomes 0.00047; ExAC 0.00109; ESP Exome Variant Server 0.00238; gnomAD 0.00277; 1000 Genomes Project 0.00300; TOPMed 0.00315; 1000 Genomes Project 30x 0.00359.
gnomAD v4.1: 1,131 of 1,613,762 alleles (0.07%); highest among the groups gnomAD compares: African/African-American, 0.92%; 6 homozygotes.

Submission:

PreventionGenetics, part of Exact Sciences
Classification: Benign for BTN2A2-related condition. Last evaluated: 2019-06-11. Review status: no assertion criteria provided. Collection method: clinical testing. Allele origin: germline.
Comment: This variant is classified as benign based on ACMG/AMP sequence variant interpretation guidelines (Richards et al. 2015 PMID: 25741868, with internal and published modifications).

NM_006995.5(BTN2A2):c.1379A>G (p.Tyr460Cys)

Gene: BTN2A2 (butyrophilin subfamily 2 member A2; plus strand). Cytogenetic location: 6p22.2.
Variant type: single nucleotide variant.
Coding change: c.1379A>G on transcript NM_006995.5 (MANE Select); coding-DNA position 1379, A replaced by G.
Protein change: p.Tyr460Cys; replaces tyrosine 460 with cysteine.
Molecular consequence: missense variant. On other transcripts: 3 prime UTR variant (1), intron variant (1).
Genome position (GRCh38, 1-based): chr6:26,392,774, A>G. VCF-style: chr6-26392774-A-G. GRCh37 (hg19) VCF-style: chr6-26393002-A-G.
Other names: c.1379A>G, p.Tyr460Cys (NM_001197237.2); c.749A>G, p.Tyr250Cys (NM_001197239.2); c.*479A>G (NM_001197240.2); c.1031A>G, p.Tyr344Cys (NM_181531.3); c.980-1524A>G (NM_001197238.2); short protein forms Y250C, Y344C, Y460C.
Identifiers: ClinVar variation 3038857 (VCV003038857.2), dbSNP rs111615265, ClinGen allele CA3672680.